The following is an entry in ClinVar:

NM_004370.6(COL12A1):c.7869C>T (p.Asn2623=)

Gene: COL12A1 (collagen type XII alpha 1 chain; minus strand). Cytogenetic location: 6q13.
Variant type: single nucleotide variant.
Coding change: c.7869C>T on transcript NM_004370.6 (MANE Select); coding-DNA position 7869, C replaced by T.
Protein change: p.Asn2623=; no amino-acid change (asparagine 2623 retained).
Molecular consequence: synonymous variant.
Genome position (GRCh38, 1-based): chr6:75,113,285, G>A on the plus strand (C>T on the coding strand, the complement: COL12A1 is on the minus strand). VCF-style: chr6-75113285-G-A. GRCh37 (hg19) VCF-style: chr6-75823001-G-A.
Other names: p.Asn2623=; c.4377C>T, p.Asn1459= (NM_080645.3).
Identifiers: ClinVar variation 1654108 (VCV001654108.9), dbSNP rs201337277, ClinGen allele CA141010611.

ClinVar aggregate classification (germline): Likely benign. Review status: criteria provided, multiple submitters, no conflicts (2 of 4 stars). 2 submissions from 2 submitters: Likely benign (2). Last evaluated 2024-12-30.

Conditions:
Ullrich congenital muscular dystrophy 2 (UCMD2). Identifiers: Orphanet 75840, MedGen C4225314, MONDO:0014654, OMIM 616470.
Bethlem myopathy 2 (BTHLM2). Identifiers: Orphanet 536516, Orphanet 610, MedGen C4225313, MONDO:0034022, OMIM 616471.

gnomAD v4.1: 3 of 1,557,474 alleles (0.00019%); highest among the groups gnomAD compares: African/African-American, 0.0042%; no homozygotes.

Submissions (2):

Mayo Clinic Laboratories, Mayo Clinic
Classification: Likely benign. Last evaluated: 2024-12-30. Review status: criteria provided, single submitter. Criteria: ACMG Guidelines, 2015. Collection method: clinical testing. Allele origin: germline. Observed: 1 variant allele.
Comment: BP4, BP7

Labcorp Genetics (formerly Invitae), Labcorp
Classification: Likely benign for Bethlem myopathy 2; Ullrich congenital muscular dystrophy 2. Last evaluated: 2024-10-05. Review status: criteria provided, single submitter. Criteria: Invitae Variant Classification Sherloc (09022015). Collection method: clinical testing. Allele origin: germline.